The following is an entry in ClinVar:

ClinVar aggregate classification (germline): Uncertain significance. Review status: criteria provided, multiple submitters, no conflicts (2 of 4 stars). 2 submissions from 2 submitters: Uncertain significance (2). Last evaluated 2025-08-07.

Conditions:
Inborn genetic diseases. Identifiers: MedGen C0950123, MeSH D030342.

gnomAD v4.1: 34 of 1,614,056 alleles (0.0021%); highest among the groups gnomAD compares: South Asian, 0.0033%; no homozygotes.

Submissions (2):

Ambry Genetics
Classification: Uncertain significance for Inborn genetic diseases. Last evaluated: 2025-08-07. Review status: criteria provided, single submitter. Criteria: Ambry Variant Classification Scheme 2023. Collection method: clinical testing. Allele origin: germline.

GeneDx
Classification: Uncertain significance. Last evaluated: 2025-07-28. Review status: criteria provided, single submitter. Criteria: GeneDx Variant Classification Process June 2021. Collection method: clinical testing. Allele origin: germline. Affected: yes.
Comment: In silico analysis suggests that this missense variant does not alter protein structure/function; Has not been previously published as pathogenic or benign to our knowledge

NM_144991.3(TSPEAR):c.1396G>A (p.Glu466Lys)

Gene: TSPEAR (thrombospondin type laminin G domain and EAR repeats; minus strand). Cytogenetic location: 21q22.3.
Variant type: single nucleotide variant.
Coding change: c.1396G>A on transcript NM_144991.3 (MANE Select); coding-DNA position 1396, G replaced by A.
Protein change: p.Glu466Lys; replaces glutamic acid 466 with lysine.
Molecular consequence: missense variant.
Genome position (GRCh38, 1-based): chr21:44,522,053, C>T on the plus strand (G>A on the coding strand, the complement: TSPEAR is on the minus strand). VCF-style: chr21-44522053-C-T. GRCh37 (hg19) VCF-style: chr21-45941936-C-T.
Other names: c.1192G>A, p.Glu398Lys (NM_001272037.2); short protein forms E398K, E466K.
Identifiers: ClinVar variation 4192620 (VCV004192620.2).